The following is an entry in ClinVar:

ClinVar aggregate classification (germline): Benign/Likely benign. Review status: criteria provided, multiple submitters, no conflicts (2 of 4 stars). 3 submissions from 3 submitters: Benign (1); Likely benign (2). Last evaluated 2024-07-11.

Conditions:
Hereditary cancer-predisposing syndrome. Also called: Hereditary neoplastic syndrome; Neoplastic Syndromes, Hereditary; Tumor predisposition; Hereditary Cancer Syndrome. Identifiers: Orphanet 140162, MedGen C0027672, MeSH D009386, MONDO:0015356.
Oligodontia-cancer predisposition syndrome. Also called: TOOTH AGENESIS-COLORECTAL CANCER SYNDROME. Identifiers: Orphanet 300576, MedGen C1837750, MONDO:0012075, OMIM 608615. Disease mechanism: loss of function.

gnomAD v4.1: 2 of 1,614,200 alleles (0.00012%); highest among the groups gnomAD compares: Non-Finnish European, 0.000085%; no homozygotes.

Submissions (3):

Myriad Genetics, Inc.
Classification: Benign for Oligodontia-cancer predisposition syndrome. Last evaluated: 2024-07-11. Review status: criteria provided, single submitter. Criteria: Myriad Autosomal Dominant, Autosomal Recessive and X-Linked Classification Criteria (2023). Collection method: clinical testing. Allele origin: unknown.
Comment: This variant is considered benign. This variant is a silent/synonymous amino acid change and it is not expected to impact splicing.

Ambry Genetics
Classification: Likely benign for Hereditary cancer-predisposing syndrome. Last evaluated: 2024-06-08. Review status: criteria provided, single submitter. Criteria: Ambry Variant Classification Scheme 2023. Collection method: clinical testing. Allele origin: germline.

Labcorp Genetics (formerly Invitae), Labcorp
Classification: Likely benign for Oligodontia-cancer predisposition syndrome. Last evaluated: 2024-05-22. Review status: criteria provided, single submitter. Criteria: Invitae Variant Classification Sherloc (09022015). Collection method: clinical testing. Allele origin: germline.

NM_004655.4(AXIN2):c.2487G>T (p.Pro829=)

Gene: AXIN2 (axin 2; minus strand). Cytogenetic location: 17q24.1.
Variant type: single nucleotide variant.
Coding change: c.2487G>T on transcript NM_004655.4 (MANE Select); coding-DNA position 2487, G replaced by T.
Protein change: p.Pro829=; no amino-acid change (proline 829 retained).
Molecular consequence: synonymous variant.
Genome position (GRCh38, 1-based): chr17:65,530,021, C>A on the plus strand (G>T on the coding strand, the complement: AXIN2 is on the minus strand). VCF-style: chr17-65530021-C-A. GRCh37 (hg19) VCF-style: chr17-63526139-C-A.
Other names: c.2292G>T, p.Pro764= (NM_001363813.1); c.2487G>T (NM_004655.3).
Identifiers: ClinVar variation 1664835 (VCV001664835.10), dbSNP rs768793839, ClinGen allele CA501475711.